The following is an entry in ClinVar:

ClinVar aggregate classification (germline): Uncertain significance (1 of 4 stars; one submission).

Submission:

GeneDx
Classification: Uncertain significance. Last evaluated: 2025-06-19. Review status: criteria provided, single submitter. Criteria: GeneDx Variant Classification Process June 2021. Collection method: clinical testing. Allele origin: germline. Affected: yes.
Comment: Not observed at significant frequency in large population cohorts (gnomAD); In silico analysis supports that this missense variant has a deleterious effect on protein structure/function; Has not been previously published as pathogenic or benign to our knowledge; Does not affect a cysteine or calcium-binding residue within an EGF-like domain or a TGF-binding protein domain of the FBN1 gene; cysteine substitutions in the EGF-like domains represent the majority of pathogenic missense changes associated with FBN1-related disorders (PMID: 12938084); This variant is associated with the following publications: (PMID: 12938084)

NM_000138.5(FBN1):c.3664A>G (p.Ser1222Gly)

Gene: FBN1 (fibrillin 1; minus strand). Cytogenetic location: 15q21.1.
Variant type: single nucleotide variant.
Coding change: c.3664A>G on transcript NM_000138.5 (MANE Select); coding-DNA position 3664, A replaced by G.
Protein change: p.Ser1222Gly; replaces serine 1222 with glycine.
Molecular consequence: missense variant.
Genome position (GRCh38, 1-based): chr15:48,485,422, T>C on the plus strand (A>G on the coding strand, the complement: FBN1 is on the minus strand). VCF-style: chr15-48485422-T-C. GRCh37 (hg19) VCF-style: chr15-48777619-T-C.
Other names: c.3664A>G, p.Ser1222Gly (NM_001406716.1); short protein forms S1222G.
Identifiers: ClinVar variation 4538834 (VCV004538834.1).